The following is an entry in ClinVar:

ClinVar aggregate classification (germline): Uncertain significance. Review status: criteria provided, multiple submitters, no conflicts (2 of 4 stars). 8 submissions from 7 submitters: Uncertain significance (8). Last evaluated 2025-05-01.

Conditions:
Familial cutaneous telangiectasia and oropharyngeal predisposition cancer syndrome. Identifiers: Orphanet 313846, MedGen C3281203, MONDO:0013806, OMIM 614564.
Seckel syndrome 1 (SCKL1). Also called: MICROCEPHALIC PRIMORDIAL DWARFISM I. Identifiers: Orphanet 808, MedGen C4551474, MONDO:0008869, OMIM 210600.

Allele frequency attached by ClinVar (database versions not stated): ESP Exome Variant Server 0.00023; gnomAD 0.00021; gnomAD exomes 0.00037 and 0.00041; ExAC 0.00044; TOPMed 0.00028.
gnomAD v4.1: 627 of 1,608,672 alleles (0.039%); highest among the groups gnomAD compares: South Asian, 0.11%; 1 homozygote.

Submissions (8):

Dasa
Classification: Uncertain significance. Last evaluated: 2025-05-01. Review status: criteria provided, single submitter. Criteria: DASA Assertion Criteria. Collection method: clinical testing. Allele origin: germline.
Comment: NM_001184.4(ATR):c.5257A>G (p.Ile1753Val) is a missense variant that results in the substitution of isoleucine with valine. This variant is rare in population databases. Computational prediction algorithms are consistent with a benign effect. The currently available literature and clinical evidence are not sufficient to establish a definitive association between this variant and the reported condition. Therefore, this variant is classified as a variant of uncertain significance.

Labcorp Genetics (formerly Invitae), Labcorp
Classification: Uncertain significance. Last evaluated: 2024-12-27. Review status: criteria provided, single submitter. Criteria: Invitae Variant Classification Sherloc (09022015). Collection method: clinical testing. Allele origin: germline.
Comment: This sequence change replaces isoleucine, which is neutral and non-polar, with valine, which is neutral and non-polar, at codon 1753 of the ATR protein (p.Ile1753Val). This variant is present in population databases (rs143806447, gnomAD 0.1%). This variant has not been reported in the literature in individuals affected with ATR-related conditions. ClinVar contains an entry for this variant (Variation ID: 434450). An algorithm developed to predict the effect of missense changes on protein structure and function (PolyPhen-2) suggests that this variant¬†is likely to be tolerated. In summary, the available evidence is currently insufficient to determine the role of this variant in disease. Therefore, it has been classified as a Variant of Uncertain Significance.

Genome-Nilou Lab
Classification: Uncertain significance for Seckel syndrome 1. Last evaluated: 2023-02-08. Review status: criteria provided, single submitter. Criteria: ACMG Guidelines, 2015. Collection method: clinical testing. Allele origin: germline.

Genome-Nilou Lab
Classification: Uncertain significance for Familial cutaneous telangiectasia and oropharyngeal predisposition cancer syndrome. Last evaluated: 2023-02-08. Review status: criteria provided, single submitter. Criteria: ACMG Guidelines, 2015. Collection method: clinical testing. Allele origin: germline.

GeneDx
Classification: Uncertain significance. Last evaluated: 2022-05-06. Review status: criteria provided, single submitter. Criteria: GeneDx Variant Classification Process June 2021. Collection method: clinical testing. Allele origin: germline. Affected: yes.
Comment: In silico analysis supports that this missense variant does not alter protein structure/function; Has not been previously published as pathogenic or benign to our knowledge

Department of Pathology and Laboratory Medicine, Sinai Health System
Classification: Uncertain significance for Seckel syndrome 1. Last evaluated: 2021-07-30. Review status: criteria provided, single submitter. Criteria: ACMG Guidelines, 2015. Collection method: research. Allele origin: germline.

Illumina Laboratory Services, Illumina
Classification: Uncertain significance for Seckel syndrome 1. Last evaluated: 2018-01-13. Review status: criteria provided, single submitter. Criteria: ICSL Variant Classification Criteria 13 December 2019. Collection method: clinical testing. Allele origin: germline.

Genetic Services Laboratory, University of Chicago
Classification: Uncertain significance. Last evaluated: 2016-08-22. Review status: criteria provided, single submitter. Criteria: ACMG Guidelines, 2015. Collection method: clinical testing. Allele origin: germline. Affected: no.

NM_001184.4(ATR):c.5257A>G (p.Ile1753Val)

Gene: ATR (ATR checkpoint kinase; minus strand). Cytogenetic location: 3q23.
Variant type: single nucleotide variant.
Coding change: c.5257A>G on transcript NM_001184.4 (MANE Select); coding-DNA position 5257, A replaced by G.
Protein change: p.Ile1753Val; replaces isoleucine 1753 with valine.
Molecular consequence: missense variant.
Genome position (GRCh38, 1-based): chr3:142,503,393, T>C on the plus strand (A>G on the coding strand, the complement: ATR is on the minus strand). VCF-style: chr3-142503393-T-C. GRCh37 (hg19) VCF-style: chr3-142222235-T-C.
Other names: c.5065A>G, p.Ile1689Val (NM_001354579.2); short protein forms I1753V, I1689V.
Identifiers: ClinVar variation 434450 (VCV000434450.20), dbSNP rs143806447, ClinGen allele CA2649657.